The following is an entry in ClinVar:

NM_000059.4(BRCA2):c.8324_8325insA (p.Met2775fs)

Gene: BRCA2 (BRCA2 DNA repair associated; plus strand). Cytogenetic location: 13q13.1.
Variant type: Insertion.
Coding change: c.8324_8325insA on transcript NM_000059.4 (MANE Select); coding-DNA positions 8324 to 8325, A inserted.
Protein change: p.Met2775fs; shifts the reading frame from methionine 2775.
Molecular consequence: frameshift variant.
Genome position: GRCh38 VCF-style: chr13-32363526-T-TA. GRCh37 (hg19) VCF-style: chr13-32937663-T-TA.
Other names: 8552insA; short protein forms M2775fs.
Identifiers: ClinVar variation 267070 (VCV000267070.5), dbSNP rs886040760, ClinGen allele CA10589482.

ClinVar aggregate classification (germline): Pathogenic. Review status: reviewed by expert panel (3 of 4 stars). 2 submissions from 2 submitters: Pathogenic (1). 1 of the submissions does not count toward it. Last evaluated 2016-10-18.

Conditions:
Breast-ovarian cancer, familial, susceptibility to, 2 (BROVCA2). Also called: BRCA2 Hereditary Breast and Ovarian Cancer. Identifiers: Orphanet 145, MedGen C2675520, MONDO:0012933, OMIM 612555. Disease mechanism: loss of function.

Submissions (2):

Evidence-based Network for the Interpretation of Germline Mutant Alleles (ENIGMA)
Classification: Pathogenic for Breast-ovarian cancer, familial, susceptibility to, 2. Last evaluated: 2016-10-18. Review status: reviewed by expert panel. Criteria: ENIGMA BRCA1/2 Classification Criteria (2015). Collection method: curation. Allele origin: germline.
Comment: Variant allele predicted to encode a truncated non-functional protein.

Consortium of Investigators of Modifiers of BRCA1/2 (CIMBA), c/o University of Cambridge
Classification: Pathogenic for Breast-ovarian cancer, familial, susceptibility to, 2. Last evaluated: 2015-10-02. Review status: criteria provided, single submitter. Criteria: CIMBA Mutation Classification guidelines May 2016. Collection method: clinical testing. Allele origin: germline. Not counted in ClinVar's aggregate classification.